The following is an entry in ClinVar:

NM_020702.5(MYORG):c.159C>G (p.Asp53Glu)

Gene: MYORG (myogenesis regulating glycosidase; minus strand). Cytogenetic location: 9p13.3.
Variant type: single nucleotide variant.
Coding change: c.159C>G on transcript NM_020702.5 (MANE Select); coding-DNA position 159, C replaced by G.
Protein change: p.Asp53Glu; replaces aspartic acid 53 with glutamic acid.
Molecular consequence: missense variant.
Genome position (GRCh38, 1-based): chr9:34,372,785, G>C on the plus strand (C>G on the coding strand, the complement: MYORG is on the minus strand). VCF-style: chr9-34372785-G-C. GRCh37 (hg19) VCF-style: chr9-34372783-G-C.
Other names: short protein forms D53E.
Identifiers: ClinVar variation 1169348 (VCV001169348.19), dbSNP rs4879781, ClinGen allele CA5033229.

ClinVar aggregate classification (germline): Benign. Review status: criteria provided, multiple submitters, no conflicts (2 of 4 stars). 7 submissions from 7 submitters: Benign (4). 3 of the submissions do not count toward it. Last evaluated 2026-02-02.

Conditions:
Basal ganglia calcification, idiopathic, 7, autosomal recessive. Also called: PRIMARY FAMILIAL BRAIN CALCIFICATION 7, AUTOSOMAL RECESSIVE. Identifiers: MedGen C5193025, MONDO:0032673, OMIM 618317.
MYORG-related disorder. Also called: MYORG-related condition.

Allele frequency attached by ClinVar (database versions not stated): 1000 Genomes Project 0.93630; gnomAD 0.94531 and 0.94274; ESP Exome Variant Server 0.94704; ExAC 0.96815; 1000 Genomes Project 30x 0.93582; TOPMed 0.93942; gnomAD exomes 0.97009 and 0.98018.
gnomAD v4.1: 1,576,300 of 1,613,982 alleles (98%); highest among the groups gnomAD compares: Non-Finnish European, 99%; 770,500 homozygotes.

Submissions (7):

Labcorp Genetics (formerly Invitae), Labcorp
Classification: Benign. Last evaluated: 2026-02-02. Review status: criteria provided, single submitter. Criteria: Invitae Variant Classification Sherloc (09022015). Collection method: clinical testing. Allele origin: germline.

Genome-Nilou Lab
Classification: Benign for Basal ganglia calcification, idiopathic, 7, autosomal recessive. Last evaluated: 2021-08-19. Review status: criteria provided, single submitter. Criteria: ACMG Guidelines, 2015. Collection method: clinical testing. Allele origin: germline. Affected: no.

GeneDx
Classification: Benign. Last evaluated: 2021-05-04. Review status: criteria provided, single submitter. Criteria: GeneDx Variant Classification Process June 2021. Collection method: clinical testing. Allele origin: germline. Affected: yes.

Breakthrough Genomics
Classification: Benign. Review status: criteria provided, single submitter. Criteria: ACMG Guidelines, 2015. Collection method: not provided. Allele origin: germline. Inheritance: Autosomal recessive inheritance. Affected: yes.

PreventionGenetics, part of Exact Sciences
Classification: Benign for MYORG-related condition. Last evaluated: 2019-10-23. Review status: no assertion criteria provided. Collection method: clinical testing. Allele origin: germline. Not counted in ClinVar's aggregate classification.
Comment: This variant is classified as benign based on ACMG/AMP sequence variant interpretation guidelines (Richards et al. 2015 PMID: 25741868, with internal and published modifications).

Genome Diagnostics Laboratory, Amsterdam University Medical Center
Classification: Benign. Review status: no assertion criteria provided. Collection method: clinical testing. Allele origin: germline. Affected: yes. Study: VKGL Data-share Consensus. Not counted in ClinVar's aggregate classification.

Joint Genome Diagnostic Labs from Nijmegen and Maastricht, Radboudumc and MUMC+
Classification: Benign. Review status: no assertion criteria provided. Collection method: clinical testing. Allele origin: germline. Affected: yes. Study: VKGL Data-share Consensus. Not counted in ClinVar's aggregate classification.